The following is an entry in ClinVar:

NM_001276270.2(MBD4):c.1131dup (p.Arg378fs)

Gene: MBD4 (methyl-CpG binding domain 4, DNA glycosylase; minus strand). Cytogenetic location: 3q21.3.
Variant type: Duplication.
Coding change: c.1131dup on transcript NM_001276270.2 (MANE Select); coding-DNA position 1131, one base duplicated (A; older notation c.1131dupA).
Protein change: p.Arg378fs; shifts the reading frame from arginine 378.
Molecular consequence: frameshift variant. On other transcripts: intron variant (1).
Genome position (GRCh38, 1-based): chr3:129,436,513, T duplicated on the plus strand (A on the coding strand, the reverse complement: MBD4 is on the minus strand); the first of 4 consecutive T bases (chr3:129,436,513-129,436,516); duplicating any one gives the same sequence. VCF-style (leftmost placement, unchanged base first): chr3-129436512-G-GT. GRCh37 (hg19) VCF-style: chr3-129155355-G-GT.
Other names: c.1131dup, p.Arg378fs (NM_001276271.2, NM_001276272.2, NM_003925.3); c.247+1295dup (NM_001276273.2); c.1131dupA (NM_001276270.2); short protein forms R378fs.
Identifiers: ClinVar variation 2802466 (VCV002802466.5), dbSNP rs2530717576, ClinGen allele CA2739278810.

ClinVar aggregate classification (germline): Pathogenic. Review status: criteria provided, multiple submitters, no conflicts (2 of 4 stars). 3 submissions from 3 submitters: Pathogenic (3). Last evaluated 2026-08-17.

Conditions:
Inborn genetic diseases. Identifiers: MedGen C0950123, MeSH D030342.
Tumor predisposition syndrome 2 (TPDS2). Also called: MBD4-ASSOCIATED NEOPLASIA SYNDROME; MBD4-associated neoplasia syndrome (MANS); MBD4-Related Tumor Predisposition Syndrome. Identifiers: Orphanet 661526, MedGen C5774186, MONDO:0859267, OMIM 619975.

Submissions (3):

Myriad Genetics, Inc.
Classification: Pathogenic for Tumor predisposition syndrome 2. Last evaluated: 2026-08-17. Review status: criteria provided, single submitter. Criteria: Myriad Autosomal Dominant, Autosomal Recessive and X-Linked Classification Criteria (2023). Collection method: clinical testing. Allele origin: unknown.
Comment: This variant is considered pathogenic. This variant creates a frameshift predicted to result in premature protein truncation.

Ambry Genetics
Classification: Pathogenic for Inborn genetic diseases. Last evaluated: 2026-04-13. Review status: criteria provided, single submitter. Criteria: Ambry Variant Classification Scheme 2023. Collection method: clinical testing. Allele origin: germline.
Comment: The c.1131dupA pathogenic mutation, located in coding exon 3 of the MBD4 gene, results from a duplication of A at nucleotide position 1131, causing a translational frameshift with a predicted alternate stop codon (p.R378Tfs*4). This variant is considered to be rare based on population cohorts in the Genome Aggregation Database (gnomAD). This variant is expected to result in loss of function by premature protein truncation or nonsense-mediated mRNA decay. As such, this variant is interpreted as a disease-causing mutation.

Labcorp Genetics (formerly Invitae), Labcorp
Classification: Pathogenic. Last evaluated: 2025-07-02. Review status: criteria provided, single submitter. Criteria: Invitae Variant Classification Sherloc (09022015). Collection method: clinical testing. Allele origin: germline.
Comment: This sequence change creates a premature translational stop signal (p.Arg378Thrfs*4) in the MBD4 gene. It is expected to result in an absent or disrupted protein product. Loss-of-function variants in MBD4 are known to be pathogenic (PMID: 30049810, 35460607). This variant is not present in population databases (gnomAD no frequency). This variant has not been reported in the literature in individuals affected with MBD4-related conditions. ClinVar contains an entry for this variant (Variation ID: 2802466). For these reasons, this variant has been classified as Pathogenic.

Literature cited by the submitters: PubMed 30049810 (cited by Labcorp Genetics (formerly Invitae), Labcorp); PubMed 35460607 (cited by Labcorp Genetics (formerly Invitae), Labcorp).